The following is an entry in ClinVar:

NM_007347.5(AP4E1):c.251_252del (p.Leu84fs)

Gene: AP4E1 (adaptor related protein complex 4 subunit epsilon 1; plus strand). Cytogenetic location: 15q21.2.
Variant type: Deletion.
Coding change: c.251_252del on transcript NM_007347.5 (MANE Select); coding-DNA positions 251 to 252, 2 bases deleted (TT; older notation c.251_252delTT).
Protein change: p.Leu84fs; shifts the reading frame from leucine 84.
Molecular consequence: frameshift variant.
Genome position (GRCh38, 1-based): chr15:50,915,476-50,915,477, TT deleted. VCF-style (leftmost placement, unchanged base first): chr15-50915475-CTT-C. GRCh37 (hg19) VCF-style: chr15-51207672-CTT-C.
Other names: c.26_27del, p.Leu9fs (NM_001252127.2); short protein forms L84fs, L9fs.
Identifiers: ClinVar variation 5005429 (VCV005005429.2).
Genomic context (GRCh38, chr15:50,915,475, plus strand): 5'-ATTTATACAGCTACTGGATATTTTGCTTTTCAGAAAATGATGAAGGAATGTATGGTGAGA[CTT>C]ATATATTGTGAAATGCTTGGATATGATGCTTCCTTTGGCTATATTCATGCAATCAAGTTA-3'

ClinVar aggregate classification (germline): Likely pathogenic (1 of 4 stars; one submission).

Conditions:
Hereditary spastic paraplegia 51. Also called: Spastic paraplegia 51, autosomal recessive; CEREBRAL PALSY, SPASTIC QUADRIPLEGIC, 4. Identifiers: Orphanet 280763, MedGen C3151056, MONDO:0013401, OMIM 613744.

Submission:

Juno Genomics, Hangzhou Juno Genomics, Inc
Classification: Likely pathogenic for Hereditary spastic paraplegia 51. Review status: criteria provided, single submitter. Criteria: ACMG Guidelines, 2015. Collection method: clinical testing. Allele origin: germline.
Comment: Null variant in a gene where loss of function (LOF) is a known mechanism of disease.;Absent from controls (or at extremely low frequency if recessive) in Genome Aggregation Database.